The following is an entry in ClinVar:

ClinVar aggregate classification (germline): Uncertain significance (1 of 4 stars; one submission).

Submission:

GeneDx
Classification: Uncertain significance. Last evaluated: 2022-03-10. Review status: criteria provided, single submitter. Criteria: GeneDx Variant Classification Process June 2021. Collection method: clinical testing. Allele origin: germline. Affected: yes.
Comment: Not observed at significant frequency in large population cohorts (gnomAD); In silico analysis supports that this missense variant has a deleterious effect on protein structure/function; Has not been previously published as pathogenic or benign to our knowledge

NM_031206.7(LAS1L):c.1196T>G (p.Leu399Trp)

Gene: LAS1L (LAS1 like ribosome biogenesis factor; minus strand). Cytogenetic location: Xq12.
Variant type: single nucleotide variant.
Coding change: c.1196T>G on transcript NM_031206.7 (MANE Select); coding-DNA position 1196, T replaced by G.
Protein change: p.Leu399Trp; replaces leucine 399 with tryptophan.
Molecular consequence: missense variant. On other transcripts: non-coding transcript variant (1).
Genome position (GRCh38, 1-based): chrX:65,524,160, A>C on the plus strand (T>G on the coding strand, the complement: LAS1L is on the minus strand). VCF-style: chrX-65524160-A-C. GRCh37 (hg19) VCF-style: chrX-64744040-A-C.
Other names: c.1145T>G, p.Leu382Trp (NM_001170649.2, NM_001375331.1, NM_001375333.1 and 2 more transcripts); c.1019T>G, p.Leu340Trp (NM_001170650.2); c.1196T>G, p.Leu399Trp (NM_001375328.1, NM_001375329.1, NM_001375330.1 and 3 more transcripts); c.239T>G, p.Leu80Trp (NM_001375332.1); short protein forms L340W, L382W, L399W, L80W.
Identifiers: ClinVar variation 1704733 (VCV001704733.2), dbSNP rs2522574224, ClinGen allele CA413317289.